The following is an entry in ClinVar:

ClinVar aggregate classification (germline): Pathogenic/Likely pathogenic. Review status: criteria provided, multiple submitters, no conflicts (2 of 4 stars). 4 submissions from 4 submitters: Pathogenic (3); Likely pathogenic (1). Last evaluated 2025-04-25.

Conditions:
Niemann-Pick disease, type B. Also called: Chronic Visceral ASMD (Niemann-Pick Disease Type B; NPD-B). Identifiers: Orphanet 77293, MedGen C0268243, MONDO:0011871, OMIM 607616. Disease mechanism: loss of function.
Niemann-Pick disease, type A. Also called: Infantile Neurovisceral ASMD (Niemann-Pick Disease Type A; NPD-A); SPHINGOMYELIN LIPIDOSIS; SPHINGOMYELINASE DEFICIENCY. Identifiers: Orphanet 77292, MedGen C0268242, MONDO:0009756, OMIM 257200. Disease mechanism: loss of function.

Submissions (4):

Natera, Inc.
Classification: Likely pathogenic for Niemann-Pick Disease, Types A/B. Last evaluated: 2025-04-25. Review status: criteria provided, single submitter. Criteria: Natera Variant Classification Schema (03/2026). Collection method: clinical testing. Allele origin: germline.
Comment: The c.1088T>G variant in SMPD1 is a missense variant predicted to cause substitution of leucine to arginine at amino acid 363. This variant is rare in the general population with a frequency below the threshold expected for the associated phenotype(s). This variant has been observed in one or more individuals affected with the associated recessive disease, as either homozygous or compound heterozygous with a second variant (PMID: 34273913, 27338287). Functional studies show that this variant may disrupt protein function (PMID: 34273913). Computational prediction algorithms indicate this variant is likely to affect gene or protein function. Given the available evidence, this variant is classified as Likely Pathogenic.

Labcorp Genetics (formerly Invitae), Labcorp
Classification: Pathogenic for Niemann-Pick disease, type B; Niemann-Pick disease, type A. Last evaluated: 2023-09-13. Review status: criteria provided, single submitter. Criteria: Invitae Variant Classification Sherloc (09022015). Collection method: clinical testing. Allele origin: germline.
Comment: For these reasons, this variant has been classified as Pathogenic. Experimental studies have shown that this missense change affects SMPD1 function (PMID: 34273913). Advanced modeling of protein sequence and biophysical properties (such as structural, functional, and spatial information, amino acid conservation, physicochemical variation, residue mobility, and thermodynamic stability) performed at Invitae indicates that this missense variant is expected to disrupt SMPD1 protein function. ClinVar contains an entry for this variant (Variation ID: 1173970). This missense change has been observed in individual(s) with Niemann-Pick disease (PMID: 27338287, 34273913). This variant is not present in population databases (gnomAD no frequency). This sequence change replaces leucine, which is neutral and non-polar, with arginine, which is basic and polar, at codon 363 of the SMPD1 protein (p.Leu363Arg).

Neuberg Centre For Genomic Medicine, NCGM
Classification: Pathogenic for Niemann-Pick disease, type B. Last evaluated: 2023-06-22. Review status: criteria provided, single submitter. Criteria: ACMG Guidelines, 2015. Collection method: clinical testing. Allele origin: germline. Inheritance: Autosomal recessive inheritance. Affected: yes.
Comment: The missense c.1088T>G (p.Leu363Arg) variant in the SMPD1 gene has been observed in individual(s) with Niemann-Pick disease. Experimental studies have shown that this missense change affects SMPD1 function (Deshpande, Dipti et al., 2021). The variant is absent in gnomAD Exomes. It is submitted to ClinVar as Pathogenic. The amino acid Leucine at position 363 is changed to a Arginine changing protein sequence and it might alter its composition and physico-chemical properties. Multiple lines of computational evidence (SIFT – Damaging and MutationTaster - Disease causing) predict a damaging effect on protein structure and function for this variant. The amino acid Leucinein SMPD1 is predicted as conserved by GERP++ and PhyloP across 100 vertebrates. For these reasons, this variant has been classified as Pathogenic.

Diagnostics Division, CENTRE FOR DNA FINGERPRINTING AND DIAGNOSTICS
Classification: Pathogenic for Niemann-Pick disease, type A. Last evaluated: 2021-04-25. Review status: criteria provided, single submitter. Criteria: ACMG Guidelines, 2015. Collection method: research. Allele origin: germline. Affected: yes. Observed: 1 variant allele.

Literature cited by the submitters: PubMed 34273913 (cited by Natera, Inc. and Labcorp Genetics (formerly Invitae), Labcorp); PubMed 27338287 (cited by Natera, Inc. and Labcorp Genetics (formerly Invitae), Labcorp).

NM_000543.5(SMPD1):c.1088T>G (p.Leu363Arg)

Gene: SMPD1 (sphingomyelin phosphodiesterase 1; plus strand). Cytogenetic location: 11p15.4.
Variant type: single nucleotide variant.
Coding change: c.1088T>G on transcript NM_000543.5 (MANE Select); coding-DNA position 1088, T replaced by G.
Protein change: p.Leu363Arg; replaces leucine 363 with arginine.
Molecular consequence: missense variant. On other transcripts: non-coding transcript variant (1).
Genome position (GRCh38, 1-based): chr11:6,392,153, T>G. VCF-style: chr11-6392153-T-G. GRCh37 (hg19) VCF-style: chr11-6413383-T-G.
Other names: c.1085T>G, p.Leu362Arg (NM_001007593.3); c.1088T>G, p.Leu363Arg (NM_001318087.2, NM_001365135.2); c.127T>G, p.Ser43Ala (NM_001318088.2); c.1088T>G (NM_000543.4); short protein forms L362R, L363R, S43A.
Identifiers: ClinVar variation 1173970 (VCV001173970.9), dbSNP rs2134013368, ClinGen allele CA379371895.